The following is an entry in ClinVar:

NM_001079843.3(CASZ1):c.1333A>G (p.Thr445Ala)

Gene: CASZ1 (castor zinc finger 1; minus strand). Cytogenetic location: 1p36.22.
Variant type: single nucleotide variant.
Coding change: c.1333A>G on transcript NM_001079843.3 (MANE Select); coding-DNA position 1333, A replaced by G.
Protein change: p.Thr445Ala; replaces threonine 445 with alanine.
Molecular consequence: missense variant.
Genome position (GRCh38, 1-based): chr1:10,659,709, T>C on the plus strand (A>G on the coding strand, the complement: CASZ1 is on the minus strand). VCF-style: chr1-10659709-T-C. GRCh37 (hg19) VCF-style: chr1-10719766-T-C.
Other names: c.1333A>G, p.Thr445Ala (NM_017766.5); short protein forms T445A.
Identifiers: ClinVar variation 1933369 (VCV001933369.5), dbSNP rs913235958, ClinGen allele CA17884469.
Genomic context (GRCh38, chr1:10,659,709, plus strand): 5'-CCTGTCTAGTCTGGCTCCTGGCTCTGGGCATTGTGGGGTGGGGAGCGCCTTACTTGACAG[T>C]GGAGACGGTCCCCGTGGTGATGGAGTCTGTTTTGGAGAAGGTTGACTTCAGGTACTCGGG-3'
Protein context (NP_001073312.1, residues 435-455): TDSITTGTVS[Thr445Ala]VKNGLPTDKP

ClinVar aggregate classification (germline): Uncertain significance (1 of 4 stars; one submission).

Allele frequency attached by ClinVar (database versions not stated): gnomAD 0.00002; TOPMed 0.00002.
gnomAD v4.1: 5 of 1,612,930 alleles (0.00031%); highest among the groups gnomAD compares: Middle Eastern, 0.016%; no homozygotes.

Submission:

Labcorp Genetics (formerly Invitae), Labcorp
Classification: Uncertain significance. Last evaluated: 2022-02-21. Review status: criteria provided, single submitter. Criteria: Invitae Variant Classification Sherloc (09022015). Collection method: clinical testing. Allele origin: germline.
Comment: In summary, the available evidence is currently insufficient to determine the role of this variant in disease. Therefore, it has been classified as a Variant of Uncertain Significance. Algorithms developed to predict the effect of missense changes on protein structure and function are either unavailable or do not agree on the potential impact of this missense change (SIFT: "Deleterious"; PolyPhen-2: "Possibly Damaging"; Align-GVGD: "Class C0"). This variant has not been reported in the literature in individuals affected with CASZ1-related conditions. The frequency data for this variant in the population databases is considered unreliable, as metrics indicate poor data quality at this position in the gnomAD database. This sequence change replaces threonine, which is neutral and polar, with alanine, which is neutral and non-polar, at codon 445 of the CASZ1 protein (p.Thr445Ala).